The following is an entry in ClinVar:

ClinVar aggregate classification (germline): Conflicting classifications of pathogenicity. Review status: criteria provided, conflicting classifications (1 of 4 stars). 5 submissions from 5 submitters: Uncertain significance (4); Likely benign (1). Last evaluated 2025-11-26.

Conditions:
Fanconi anemia complementation group N. Also called: PALB2-Related Fanconi Anemia. Identifiers: Orphanet 84, MedGen C1835817, MONDO:0012565, OMIM 610832. Disease mechanism: loss of function.
Pancreatic cancer, susceptibility to, 3. Identifiers: Orphanet 1333, MedGen C3150547, MONDO:0013236, OMIM 613348.
Breast-ovarian cancer, familial, susceptibility to, 5 (BROVCA5). Identifiers: MedGen C5830615, MONDO:0957530, OMIM 620442.
Hereditary cancer-predisposing syndrome. Also called: Hereditary Cancer Syndrome; Neoplastic Syndromes, Hereditary; Tumor predisposition; Hereditary neoplastic syndrome. Identifiers: Orphanet 140162, MedGen C0027672, MeSH D009386, MONDO:0015356.
Familial cancer of breast. Also called: Hereditary breast cancer; hereditary breast carcinoma; BREAST CANCER, FAMILIAL. Identifiers: Orphanet 227535, MedGen C0346153, MONDO:0016419, OMIM 114480. Disease mechanism: loss of function.

Allele frequency attached by ClinVar (database versions not stated): gnomAD 0.00001.
gnomAD v4.1: 2 of 1,613,876 alleles (0.00012%); highest among the groups gnomAD compares: Non-Finnish European, 0.00017%; no homozygotes.

Submissions (5):

Labcorp Genetics (formerly Invitae), Labcorp
Classification: Uncertain significance for Familial cancer of breast. Last evaluated: 2025-11-26. Review status: criteria provided, single submitter. Criteria: Invitae Variant Classification Sherloc (09022015). Collection method: clinical testing. Allele origin: germline.
Comment: This sequence change replaces threonine, which is neutral and polar, with lysine, which is basic and polar, at codon 351 of the PALB2 protein (p.Thr351Lys). This variant is not present in population databases (gnomAD no frequency). This variant has not been reported in the literature in individuals affected with PALB2-related conditions. ClinVar contains an entry for this variant (Variation ID: 230592). Invitae Evidence Modeling of protein sequence and biophysical properties (such as structural, functional, and spatial information, amino acid conservation, physicochemical variation, residue mobility, and thermodynamic stability) has been performed for this missense variant. However, the output from this modeling did not meet the statistical confidence thresholds required to predict the impact of this variant on PALB2 protein function. In summary, the available evidence is currently insufficient to determine the role of this variant in disease. Therefore, it has been classified as a Variant of Uncertain Significance.

Fulgent Genetics
Classification: Uncertain significance for Fanconi anemia complementation group N; Pancreatic cancer, susceptibility to, 3; Breast-ovarian cancer, familial, susceptibility to, 5. Last evaluated: 2024-03-28. Review status: criteria provided, single submitter. Criteria: ACMG Guidelines, 2015. Collection method: clinical testing. Allele origin: germline.

Ambry Genetics
Classification: Likely benign for Hereditary cancer-predisposing syndrome. Last evaluated: 2024-03-27. Review status: criteria provided, single submitter. Criteria: Ambry Variant Classification Scheme 2023. Collection method: clinical testing. Allele origin: germline.

Color Diagnostics, LLC DBA Color Health
Classification: Uncertain significance for Hereditary cancer-predisposing syndrome. Last evaluated: 2024-03-06. Review status: criteria provided, single submitter. Criteria: ACMG Guidelines, 2015. Collection method: clinical testing. Allele origin: germline.
Comment: This missense variant replaces threonine with lysine at codon 351 of the PALB2 protein. Computational prediction suggests that this variant may not impact protein structure and function (internally defined REVEL score threshold <= 0.5, PMID: 27666373). To our knowledge, functional studies have not been reported for this variant. This variant has not been reported in individuals affected with hereditary cancer in the literature. This variant has not been identified in the general population by the Genome Aggregation Database (gnomAD). The available evidence is insufficient to determine the role of this variant in disease conclusively. Therefore, this variant is classified as a Variant of Uncertain Significance.

Baylor Genetics
Classification: Uncertain significance for Familial cancer of breast. Last evaluated: 2023-09-14. Review status: criteria provided, single submitter. Criteria: ACMG Guidelines, 2015. Collection method: clinical testing. Allele origin: unknown.

NM_024675.4(PALB2):c.1052C>A (p.Thr351Lys)

Gene: PALB2 (partner and localizer of BRCA2; minus strand). Cytogenetic location: 16p12.2.
Variant type: single nucleotide variant.
Coding change: c.1052C>A on transcript NM_024675.4 (MANE Select); coding-DNA position 1052, C replaced by A.
Protein change: p.Thr351Lys; replaces threonine 351 with lysine.
Molecular consequence: missense variant.
Genome position (GRCh38, 1-based): chr16:23,635,494, G>T on the plus strand (C>A on the coding strand, the complement: PALB2 is on the minus strand). VCF-style: chr16-23635494-G-T. GRCh37 (hg19) VCF-style: chr16-23646815-G-T.
Other names: short protein forms T351K.
Identifiers: ClinVar variation 230592 (VCV000230592.21), dbSNP rs876658656, ClinGen allele CA10580024.